The following is an entry in ClinVar:

ClinVar aggregate classification (germline): Likely pathogenic (1 of 4 stars; one submission).

Allele frequency attached by ClinVar (database versions not stated): gnomAD exomes below 0.00001; TOPMed below 0.00001; gnomAD 0.00001.
gnomAD v4.1: 3 of 1,590,386 alleles (0.00019%); highest among the groups gnomAD compares: Non-Finnish European, 0.00026%; no homozygotes.

Submission:

Labcorp Genetics (formerly Invitae), Labcorp
Classification: Likely pathogenic. Last evaluated: 2023-09-12. Review status: criteria provided, single submitter. Criteria: Invitae Variant Classification Sherloc (09022015). Collection method: clinical testing. Allele origin: germline.
Comment: In summary, the currently available evidence indicates that the variant is pathogenic, but additional data are needed to prove that conclusively. Therefore, this variant has been classified as Likely Pathogenic. Algorithms developed to predict the effect of sequence changes on RNA splicing suggest that this variant may disrupt the consensus splice site. ClinVar contains an entry for this variant (Variation ID: 1067016). This variant has not been reported in the literature in individuals affected with LIFR-related conditions. This variant is not present in population databases (gnomAD no frequency). This sequence change affects a donor splice site in intron 4 of the LIFR gene. It is expected to disrupt RNA splicing. Variants that disrupt the donor or acceptor splice site typically lead to a loss of protein function (PMID: 16199547), and loss-of-function variants in LIFR are known to be pathogenic (PMID: 14740318).

Literature cited by the submitters: PubMed 16199547; PubMed 14740318.

NM_001127671.2(LIFR):c.397+1G>T

Gene: LIFR (LIF receptor subunit alpha; minus strand). Cytogenetic location: 5p13.1.
Variant type: single nucleotide variant.
Coding change: c.397+1G>T on transcript NM_001127671.2 (MANE Select); the canonical splice donor site of the intron after coding-DNA position 397, G replaced by T.
Molecular consequence: splice donor variant.
Genome position (GRCh38, 1-based): chr5:38,527,154, C>A on the plus strand (G>T on the coding strand, the complement: LIFR is on the minus strand). VCF-style: chr5-38527154-C-A. GRCh37 (hg19) VCF-style: chr5-38527256-C-A.
Other names: c.397+1G>T (NM_002310.6, NM_001364298.2, NM_001364297.2).
Identifiers: ClinVar variation 1067016 (VCV001067016.8), dbSNP rs1342555870, ClinGen allele CA359615549.